The following is an entry in ClinVar:

ClinVar aggregate classification (germline): Conflicting classifications of pathogenicity. Review status: criteria provided, conflicting classifications (1 of 4 stars). 5 submissions from 5 submitters: Likely pathogenic (1); Uncertain significance (4). Last evaluated 2022-06-03.

Conditions:
Hereditary fructosuria. Also called: Hereditary fructose intolerance; Fructose intolerance; ALDOB DEFICIENCY; ALDOLASE B DEFICIENCY; FRUCTOSE-1,6-BISPHOSPHATE ALDOLASE B DEFICIENCY; FRUCTOSE-1-PHOSPHATE ALDOLASE DEFICIENCY. Identifiers: Orphanet 469, MedGen C0016751, MONDO:0009249, OMIM 229600, HP:0005973. Disease mechanism: loss of function.

Allele frequency attached by ClinVar (database versions not stated): gnomAD 0.00008 and 0.00009; TOPMed 0.00008; gnomAD exomes 0.00013 and 0.00014; ExAC 0.00021.
gnomAD v4.1: 197 of 1,614,046 alleles (0.012%); highest among the groups gnomAD compares: Non-Finnish European, 0.012%; no homozygotes.

Submissions (5):

Women's Health and Genetics/Laboratory Corporation of America, LabCorp
Classification: Uncertain significance. Last evaluated: 2022-06-03. Review status: criteria provided, single submitter. Criteria: LabCorp Variant Classification Summary - May 2015. Collection method: clinical testing. Allele origin: germline.
Comment: Variant summary: ALDOB c.488C>T (p.Ala163Val) results in a non-conservative amino acid change in the encoded protein sequence. Five of five in-silico tools predict a damaging effect of the variant on protein function. The variant allele was found at a frequency of 0.00014 in 251134 control chromosomes. This frequency is not significantly higher than expected for a pathogenic variant in ALDOB causing Hereditary Fructose Intolerance (0.00014 vs 0.0045), allowing no conclusion about variant significance. c.488C>T has been reported in the heterozygous state in a cohort of 2,000 randomly selected neonates, which represents carrier status (Santer_2005). This report does not provide unequivocal conclusions about association of the variant with Hereditary Fructose Intolerance. To our knowledge, no experimental evidence demonstrating an impact on protein function has been reported. Four clinical diagnostic laboratories have submitted clinical-significance assessments for this variant to ClinVar after 2014 without evidence for independent evaluation. Three submitters classified the variant as VUS while one classified as likely pathogenic. Based on the evidence outlined above, the variant was classified as uncertain significance.

Labcorp Genetics (formerly Invitae), Labcorp
Classification: Uncertain significance for Hereditary fructosuria. Last evaluated: 2021-08-12. Review status: criteria provided, single submitter. Criteria: Invitae Variant Classification Sherloc (09022015). Collection method: clinical testing. Allele origin: germline.
Comment: This sequence change replaces alanine with valine at codon 163 of the ALDOB protein (p.Ala163Val). The alanine residue is highly conserved and there is a small physicochemical difference between alanine and valine. This variant is present in population databases (rs202210810, ExAC 0.06%). This missense change has been observed in individual(s) with abdominal pain, gastroesophageal reflux, vomiting, gastroparesis, failure to thrive, anorexia, fructose intolerance (Invitae). In at least one individual the data is consistent with the variant being in trans (on the opposite chromosome) from a pathogenic variant. ClinVar contains an entry for this variant (Variation ID: 389159). Algorithms developed to predict the effect of missense changes on protein structure and function (SIFT, PolyPhen-2, Align-GVGD) all suggest that this variant is likely to be disruptive. In summary, the available evidence is currently insufficient to determine the role of this variant in disease. Therefore, it has been classified as a Variant of Uncertain Significance.

Elsea Laboratory, Baylor College of Medicine
Classification: Uncertain significance for Hereditary fructosuria. Last evaluated: 2020-04-01. Review status: criteria provided, single submitter. Criteria: ACMG Guidelines, 2015. Collection method: clinical testing. Allele origin: germline. Affected: yes.

Eurofins Ntd Llc (ga)
Classification: Uncertain significance. Last evaluated: 2018-06-21. Review status: criteria provided, single submitter. Criteria: EGL ClinVar v180209 classification definitions. Collection method: clinical testing. Allele origin: germline. Observed: 2 variant alleles, 2 heterozygotes.

GeneDx
Classification: Likely pathogenic. Last evaluated: 2016-09-06. Review status: criteria provided, single submitter. Criteria: GeneDx Variant Classification (06012015). Collection method: clinical testing. Allele origin: germline. Affected: yes.
Comment: The A163V variant in the ALDOB gene has been reported previously as a heterozygous variant identified in a newborn as part of a population based study of ALDOB variant frequency (Santer et al., 2005); however A163V has not been identified in an individual with hereditary fructose intolerance. The A163V variant was not observed in approximately 6,500 individuals of European and African American ancestry in the NHLBI Exome Sequencing Project, indicating it is not a common benign variant in these populations. The A163V variant is a conservative amino acid substitution, which is not likely to impact secondary protein structure as these residues share similar properties. This substitution occurs at a position where amino acids with similar properties to Alanine are tolerated across species. In silico analysis predicts this variant is probably damaging to the protein structure/function. The A163V variant is a strong candidate for a pathogenic variant, however the possibility it may be a rare benign variant cannot be excluded.

Literature cited by the submitters: PubMed 15880727 (cited by Women's Health and Genetics/Laboratory Corporation of America, LabCorp); PubMed 20848650 (cited by Women's Health and Genetics/Laboratory Corporation of America, LabCorp).

NM_000035.4(ALDOB):c.488C>T (p.Ala163Val)

Gene: ALDOB (aldolase, fructose-bisphosphate B; minus strand). Cytogenetic location: 9q31.1.
Variant type: single nucleotide variant.
Coding change: c.488C>T on transcript NM_000035.4 (MANE Select); coding-DNA position 488, C replaced by T.
Protein change: p.Ala163Val; replaces alanine 163 with valine.
Molecular consequence: missense variant.
Genome position (GRCh38, 1-based): chr9:101,427,534, G>A on the plus strand (C>T on the coding strand, the complement: ALDOB is on the minus strand). VCF-style: chr9-101427534-G-A. GRCh37 (hg19) VCF-style: chr9-104189816-G-A.
Other names: c.488C>T, p.Ala163Val (LRG_1244t1); short protein forms A163V.
Identifiers: ClinVar variation 389159 (VCV000389159.11), dbSNP rs202210810, ClinGen allele CA5161586.